The following is an entry in ClinVar:

ClinVar aggregate classification (germline): Uncertain significance (1 of 4 stars; one submission).

Submission:

GeneDx
Classification: Uncertain significance. Last evaluated: 2023-01-12. Review status: criteria provided, single submitter. Criteria: GeneDx Variant Classification Process June 2021. Collection method: clinical testing. Allele origin: germline. Affected: yes.
Comment: Not observed at significant frequency in large population cohorts (gnomAD); In silico analysis supports that this missense variant has a deleterious effect on protein structure/function; Has not been previously published as pathogenic or benign to our knowledge

NM_001394062.1(MACF1):c.15619A>G (p.Lys5207Glu)

Gene: MACF1 (microtubule actin crosslinking factor 1; plus strand). Cytogenetic location: 1p34.3.
Variant type: single nucleotide variant.
Coding change: c.15619A>G on transcript NM_001394062.1 (MANE Select); coding-DNA position 15619, A replaced by G.
Protein change: p.Lys5207Glu; replaces lysine 5207 with glutamic acid.
Molecular consequence: missense variant.
Genome position (GRCh38, 1-based): chr1:39,388,461, A>G. VCF-style: chr1-39388461-A-G. GRCh37 (hg19) VCF-style: chr1-39854133-A-G.
Other names: c.9433A>G, p.Lys3145Glu (NM_012090.5); short protein forms K3145E, K5207E.
Identifiers: ClinVar variation 2572839 (VCV002572839.1), dbSNP rs2522645308, ClinGen allele CA339746500.